The following is an entry in ClinVar:

ClinVar aggregate classification (germline): Pathogenic (1 of 4 stars; one submission).

Conditions:
Bloom syndrome (BLM). Also called: Bloom-Torre-Machacek syndrome. Identifiers: Orphanet 125, MedGen C0005859, MONDO:0008876, OMIM 210900.

Submission:

Labcorp Genetics (formerly Invitae), Labcorp
Classification: Pathogenic for Bloom syndrome. Last evaluated: 2025-01-29. Review status: criteria provided, single submitter. Criteria: Invitae Variant Classification Sherloc (09022015). Collection method: clinical testing. Allele origin: germline.
Comment: This sequence change creates a premature translational stop signal (p.Asp88Glyfs*6) in the BLM gene. It is expected to result in an absent or disrupted protein product. Loss-of-function variants in BLM are known to be pathogenic (PMID: 17407155). This variant is not present in population databases (gnomAD no frequency). This variant has not been reported in the literature in individuals affected with BLM-related conditions. For these reasons, this variant has been classified as Pathogenic.

Literature cited by the submitters: PubMed 17407155.

NM_000057.4(BLM):c.256_262dup (p.Asp88fs)

Gene: BLM (BLM RecQ like helicase; plus strand). Cytogenetic location: 15q26.1.
Variant type: Duplication.
Coding change: c.256_262dup on transcript NM_000057.4 (MANE Select); coding-DNA positions 256 to 262, 7 bases duplicated (GTCAAGG; older notation c.256_262dupGTCAAGG).
Protein change: p.Asp88fs; shifts the reading frame from aspartic acid 88.
Molecular consequence: frameshift variant. On other transcripts: 5 prime UTR variant (1).
Genome position (GRCh38, 1-based): chr15:90,749,524-90,749,530, GTCAAGG duplicated; duplicating any 7 consecutive bases within chr15:90,749,520-90,749,530 gives the same sequence; the c. name uses the placement nearest the transcript's 3' end. VCF-style (leftmost placement, unchanged base first): chr15-90749519-A-AAAGGGTC. GRCh37 (hg19) VCF-style: chr15-91292749-A-AAAGGGTC.
Other names: c.256_262dup, p.Asp88fs (NM_001287246.2, NM_001287247.2); c.-1036_-1030dup (NM_001287248.2); short protein forms D88fs.
Identifiers: ClinVar variation 3729738 (VCV003729738.2).
Genomic context (GRCh38, chr15:90,749,519, plus strand): 5'-ATGTTAATGTTACCGAAGACTTTTCCTTCAGTGAACCTCTACCCAACACCACAAATCAGC[A>AAAGGGTC]AAGGGTCAAGGACTTCTTTAAAAATGCTCCAGCAGGACAGGAAACACAGAGAGGTGGATC-3'